The following is an entry in ClinVar:

ClinVar aggregate classification (germline): Benign. Review status: criteria provided, single submitter (1 of 4 stars). 2 submissions from 2 submitters: Benign (1). 1 of the submissions does not count toward it. Last evaluated 2019-12-31.

Conditions:
CSMD3-related disorder. Also called: CSMD3-related condition.

Allele frequency attached by ClinVar (database versions not stated): TOPMed 0.00902; ESP Exome Variant Server 0.00953; 1000 Genomes Project 0.01058; 1000 Genomes Project 30x 0.01187.
gnomAD v4.1: 2,577 of 1,612,254 alleles (0.16%); highest among the groups gnomAD compares: African/African-American, 3.1%; 41 homozygotes.

Submissions (2):

Labcorp Genetics (formerly Invitae), Labcorp
Classification: Benign. Last evaluated: 2019-12-31. Review status: criteria provided, single submitter. Criteria: Invitae Variant Classification Sherloc (09022015). Collection method: clinical testing. Allele origin: germline.

PreventionGenetics, part of Exact Sciences
Classification: Benign for CSMD3-related condition. Last evaluated: 2020-01-24. Review status: no assertion criteria provided. Collection method: clinical testing. Allele origin: germline. Not counted in ClinVar's aggregate classification.
Comment: This variant is classified as benign based on ACMG/AMP sequence variant interpretation guidelines (Richards et al. 2015 PMID: 25741868, with internal and published modifications).

NM_198123.2(CSMD3):c.8998G>C (p.Val3000Leu)

Gene: CSMD3 (CUB and Sushi multiple domains 3; minus strand). Cytogenetic location: 8q23.3.
Variant type: single nucleotide variant.
Coding change: c.8998G>C on transcript NM_198123.2 (MANE Select); coding-DNA position 8998, G replaced by C.
Protein change: p.Val3000Leu; replaces valine 3000 with leucine.
Molecular consequence: missense variant.
Genome position (GRCh38, 1-based): chr8:112,289,515, C>G on the plus strand (G>C on the coding strand, the complement: CSMD3 is on the minus strand). VCF-style: chr8-112289515-C-G. GRCh37 (hg19) VCF-style: chr8-113301744-C-G.
Other names: c.8398G>C, p.Val2800Leu (NM_001363185.1); c.8491G>C, p.Val2831Leu (NM_052900.3); c.8878G>C, p.Val2960Leu (NM_198124.2); short protein forms V2831L, V2960L, V3000L, V2800L.
Identifiers: ClinVar variation 776375 (VCV000776375.6), dbSNP rs2193430, ClinGen allele CA4848815.